The following is an entry in ClinVar:

ClinVar aggregate classification (germline): Benign (1 of 4 stars; one submission).

Conditions:
Combined immunodeficiency due to ZAP70 deficiency (IMD48). Also called: ZAP70 Deficiency; Immunodeficiency 48. Identifiers: Orphanet 911, MedGen C2931299, MONDO:0010023, OMIM 269840.

Allele frequency attached by ClinVar (database versions not stated): gnomAD 0.00073 and 0.00001; 1000 Genomes Project 0.00539; TOPMed 0.00010; 1000 Genomes Project 30x 0.00515.

Submission:

Illumina Laboratory Services, Illumina
Classification: Benign for Combined immunodeficiency due to ZAP70 deficiency. Last evaluated: 2018-01-13. Review status: criteria provided, single submitter. Criteria: ICSL Variant Classification Criteria 13 December 2019. Collection method: clinical testing. Allele origin: germline.
Comment: This variant was observed in the ICSL laboratory as part of a predisposition screen in an ostensibly healthy population. It had not been previously curated by ICSL or reported in the Human Gene Mutation Database (HGMD: prior to June 1st, 2018), and was therefore a candidate for classification through an automated scoring system. Utilizing variant allele frequency, disease prevalence and penetrance estimates, and inheritance mode, an automated score was calculated to assess if this variant is too frequent to cause the disease. Based on the score and internal cut-off values, a variant classified as benign is not then subjected to further curation. The score for this variant resulted in a classification of benign for this disease.

NM_001079.4(ZAP70):c.-91T>A

Gene: ZAP70 (zeta chain of T cell receptor associated protein kinase 70; plus strand). Cytogenetic location: 2q11.2.
Variant type: single nucleotide variant.
Coding change: c.-91T>A on transcript NM_001079.4 (MANE Select); 91 bases upstream of the start codon, T replaced by A.
Molecular consequence: 5 prime UTR variant.
Genome position (GRCh38, 1-based): chr2:97,713,925, T>A. VCF-style: chr2-97713925-T-A. GRCh37 (hg19) VCF-style: chr2-98330388-T-A.
Other names: c.-91T>A (NM_001378594.1).
Identifiers: ClinVar variation 337623 (VCV000337623.5), dbSNP rs199757796, ClinGen allele CA10614682.